The following is an entry in ClinVar:

ClinVar aggregate classification (germline): Uncertain significance (1 of 4 stars; one submission).

Submission:

Greenwood Genetic Center Diagnostic Laboratories, Greenwood Genetic Center
Classification: Uncertain significance. Last evaluated: 2026-05-20. Review status: criteria provided, single submitter. Criteria: ACMG Guidelines, 2015. Collection method: clinical testing. Allele origin: germline.
Comment: Gene of Uncertain Significance

NM_012426.5(SF3B3):c.1761_1762delinsTT (p.Val588Leu)

Gene: SF3B3 (splicing factor 3b subunit 3; plus strand). Cytogenetic location: 16q22.1.
Variant type: Indel.
Coding change: c.1761_1762delinsTT on transcript NM_012426.5 (MANE Select); coding-DNA positions 1761 to 1762, GG replaced by TT.
Protein change: p.Val588Leu; replaces valine 588 with leucine.
Molecular consequence: missense variant.
Genome position (GRCh38, 1-based): chr16:70,556,229-70,556,230, GG replaced by TT. VCF-style: chr16-70556229-GG-TT. GRCh37 (hg19) VCF-style: chr16-70590132-GG-TT.
Other names: short protein forms V588L.
Identifiers: ClinVar variation 4891094 (VCV004891094.1).
Genomic context (GRCh38, chr16:70,556,229, plus strand): 5'-CCTCCTGTAGTCAGGACAGCTGAATGAGTACACAGAACGGAAGGAGATGTCAGCAGATGT[GG>TT]TGTGCATGAGTCTGGCCAATGTACCCCCTGGAGAGCAGCGGTCTCGCTTCCTGGCTGTGG-3'
Protein context (NP_036558.3, residues 578-598): TERKEMSADV[Val588Leu]CMSLANVPPG